The following is an entry in ClinVar:

ClinVar aggregate classification (germline): Uncertain significance (1 of 4 stars; one submission).

Allele frequency attached by ClinVar (database versions not stated): gnomAD exomes 0.00001 and 0.00002; ExAC 0.00002; gnomAD 0.00002 and 0.00003; TOPMed 0.00002; ESP Exome Variant Server 0.00008.
gnomAD v4.1: 15 of 1,613,930 alleles (0.00093%); highest among the groups gnomAD compares: African/African-American, 0.004%; no homozygotes.

Submission:

Labcorp Genetics (formerly Invitae), Labcorp
Classification: Uncertain significance. Last evaluated: 2024-05-15. Review status: criteria provided, single submitter. Criteria: Invitae Variant Classification Sherloc (09022015). Collection method: clinical testing. Allele origin: germline.
Comment: This sequence change replaces arginine, which is basic and polar, with histidine, which is basic and polar, at codon 594 of the MYO18B protein (p.Arg594His). This variant is present in population databases (rs373701834, gnomAD 0.006%). This variant has not been reported in the literature in individuals affected with MYO18B-related conditions. ClinVar contains an entry for this variant (Variation ID: 1356984). An algorithm developed to predict the effect of missense changes on protein structure and function (PolyPhen-2) suggests that this variant is likely to be disruptive. In summary, the available evidence is currently insufficient to determine the role of this variant in disease. Therefore, it has been classified as a Variant of Uncertain Significance.

NM_032608.7(MYO18B):c.1781G>A (p.Arg594His)

Gene: MYO18B (myosin XVIIIB; plus strand). Cytogenetic location: 22q12.1.
Variant type: single nucleotide variant.
Coding change: c.1781G>A on transcript NM_032608.7 (MANE Select); coding-DNA position 1781, G replaced by A.
Protein change: p.Arg594His; replaces arginine 594 with histidine.
Molecular consequence: missense variant.
Genome position (GRCh38, 1-based): chr22:25,772,422, G>A. VCF-style: chr22-25772422-G-A. GRCh37 (hg19) VCF-style: chr22-26168389-G-A.
Other names: c.1781G>A, p.Arg594His (NM_001318245.2); short protein forms R594H.
Identifiers: ClinVar variation 1356984 (VCV001356984.6), dbSNP rs373701834, ClinGen allele CA10159952.